The following is an entry in ClinVar:

NM_139318.5(KCNH5):c.1154T>C (p.Ile385Thr)

Gene: KCNH5 (potassium voltage-gated channel subfamily H member 5; minus strand). Cytogenetic location: 14q23.2.
Variant type: single nucleotide variant.
Coding change: c.1154T>C on transcript NM_139318.5 (MANE Select); coding-DNA position 1154, T replaced by C.
Protein change: p.Ile385Thr; replaces isoleucine 385 with threonine.
Molecular consequence: missense variant.
Genome position (GRCh38, 1-based): chr14:62,950,348, A>G on the plus strand (T>C on the coding strand, the complement: KCNH5 is on the minus strand). VCF-style: chr14-62950348-A-G. GRCh37 (hg19) VCF-style: chr14-63417066-A-G.
Other names: c.1154T>C, p.Ile385Thr (NM_172375.3); short protein forms I385T.
Identifiers: ClinVar variation 4764493 (VCV004764493.1).
Genomic context (GRCh38, chr14:62,950,348, plus strand): 5'-CTGGTATTGTAGCGATATGGAGTCCCAATGCTCAAAGCCAGCTGGTAGAGCCAACTGTCT[A>G]TTTGGATGGTGTTAGTGACTTCATCAATGACCTCGTAGTCTCCGATGCTATACCATATGC-3'
Protein context (NP_647479.2, residues 375-395): VIDEVTNTIQ[Ile385Thr]DSWLYQLALS

ClinVar aggregate classification (germline): Uncertain significance (1 of 4 stars; one submission).

Conditions:
Early-infantile DEE. Also called: Early infantile epileptic encephalopathy with suppression bursts; Early infantile epileptic encephalopathy; Ohtahara syndrome. Identifiers: Orphanet 1934, MedGen C0393706, MONDO:0800491.

gnomAD v4.1: 1 of 1,614,032 alleles (0.000062%); highest among the groups gnomAD compares: Non-Finnish European, 0.000085%; no homozygotes.

Submission:

Labcorp Genetics (formerly Invitae), Labcorp
Classification: Uncertain significance for Early-infantile DEE. Last evaluated: 2025-09-20. Review status: criteria provided, single submitter. Criteria: Invitae Variant Classification Sherloc (09022015). Collection method: clinical testing. Allele origin: germline.
Comment: This sequence change replaces isoleucine, which is neutral and non-polar, with threonine, which is neutral and polar, at codon 385 of the KCNH5 protein (p.Ile385Thr). This variant is not present in population databases (gnomAD no frequency). This variant has not been reported in the literature in individuals affected with KCNH5-related conditions. Invitae Evidence Modeling of protein sequence and biophysical properties (such as structural, functional, and spatial information, amino acid conservation, physicochemical variation, residue mobility, and thermodynamic stability) indicates that this missense variant is not expected to disrupt KCNH5 protein function with a negative predictive value of 80%. In summary, the available evidence is currently insufficient to determine the role of this variant in disease. Therefore, it has been classified as a Variant of Uncertain Significance.